The following is an entry in ClinVar:

NM_016734.3(PAX5):c.1031G>A (p.Ser344Asn)

Gene: PAX5 (paired box 5; minus strand). Cytogenetic location: 9p13.2.
Variant type: single nucleotide variant.
Coding change: c.1031G>A on transcript NM_016734.3 (MANE Select); coding-DNA position 1031, G replaced by A.
Protein change: p.Ser344Asn; replaces serine 344 with asparagine.
Molecular consequence: missense variant. On other transcripts: non-coding transcript variant (2), intron variant (5).
Genome position (GRCh38, 1-based): chr9:36,846,911, C>T on the plus strand (G>A on the coding strand, the complement: PAX5 is on the minus strand). VCF-style: chr9-36846911-C-T. GRCh37 (hg19) VCF-style: chr9-36846908-C-T.
Other names: c.929G>A, p.Ser310Asn (NM_001280547.2); c.799G>A, p.Val267Ile (NM_001280549.2); c.902G>A, p.Ser301Asn (NM_001280554.2); c.731G>A, p.Ser244Asn (NM_001280555.2); c.707G>A, p.Ser236Asn (NM_001280556.2); c.587-6275G>A (NM_001280551.2); c.884-6275G>A (NM_001280553.2); c.781-6275G>A (NM_001280550.2); and 2 more; short protein forms S244N, S301N, S344N, V267I, S236N, S310N.
Identifiers: ClinVar variation 3304471 (VCV003304471.2).

ClinVar aggregate classification (germline): Uncertain significance (1 of 4 stars; one submission).

Conditions:
Inborn genetic diseases. Identifiers: MedGen C0950123, MeSH D030342.

gnomAD v4.1: 8 of 1,613,690 alleles (0.0005%); highest among the groups gnomAD compares: Middle Eastern, 0.016%; no homozygotes.

Submission:

Ambry Genetics
Classification: Uncertain significance for Inborn genetic diseases. Last evaluated: 2025-05-17. Review status: criteria provided, single submitter. Criteria: Ambry Variant Classification Scheme 2023. Collection method: clinical testing. Allele origin: germline.
Comment: The p.S344N variant (also known as c.1031G>A), located in coding exon 9 of the PAX5 gene, results from a G to A substitution at nucleotide position 1031. The serine at codon 344 is replaced by asparagine, an amino acid with highly similar properties. This amino acid position is conserved. In addition, this alteration is predicted to be tolerated by in silico analysis. Based on the available evidence, the clinical significance of this variant remains unclear.